The following is an entry in ClinVar:

NM_000245.4(MET):c.3241A>T (p.Asn1081Tyr)

Gene: MET (MET proto-oncogene, receptor tyrosine kinase; plus strand). Cytogenetic location: 7q31.2.
Variant type: single nucleotide variant.
Coding change: c.3241A>T on transcript NM_000245.4 (MANE Select); coding-DNA position 3241, A replaced by T.
Protein change: p.Asn1081Tyr; replaces asparagine 1081 with tyrosine.
Molecular consequence: missense variant.
Genome position (GRCh38, 1-based): chr7:116,775,093, A>T. VCF-style: chr7-116775093-A-T. GRCh37 (hg19) VCF-style: chr7-116415147-A-T.
Other names: c.3295A>T, p.Asn1099Tyr (NM_001127500.3); c.1951A>T, p.Asn651Tyr (NM_001324402.2); short protein forms N1081Y, N1099Y, N651Y.
Identifiers: ClinVar variation 4717685 (VCV004717685.1).

ClinVar aggregate classification (germline): Uncertain significance (1 of 4 stars; one submission).

Conditions:
Renal cell carcinoma. Identifiers: Orphanet 217071, MedGen C0007134, MeSH D002292, MONDO:0005086, HP:0005584.

Submission:

Labcorp Genetics (formerly Invitae), Labcorp
Classification: Uncertain significance for Renal cell carcinoma. Last evaluated: 2025-03-06. Review status: criteria provided, single submitter. Criteria: Invitae Variant Classification Sherloc (09022015). Collection method: clinical testing. Allele origin: germline.
Comment: This sequence change replaces asparagine, which is neutral and polar, with tyrosine, which is neutral and polar, at codon 1099 of the MET protein (p.Asn1099Tyr). This variant is not present in population databases (gnomAD no frequency). This variant has not been reported in the literature in individuals affected with MET-related conditions. Invitae Evidence Modeling of protein sequence and biophysical properties (such as structural, functional, and spatial information, amino acid conservation, physicochemical variation, residue mobility, and thermodynamic stability) indicates that this missense variant is not expected to disrupt MET protein function with a negative predictive value of 80%. In summary, the available evidence is currently insufficient to determine the role of this variant in disease. Therefore, it has been classified as a Variant of Uncertain Significance.